The following is an entry in ClinVar:

NM_024577.4(SH3TC2):c.*21472A>G

Gene: SH3TC2 (SH3 domain and tetratricopeptide repeats 2; minus strand). Cytogenetic location: 5q32.
Variant type: single nucleotide variant.
Coding change: c.*21472A>G on transcript NM_024577.4 (MANE Select); 21472 bases downstream of the stop codon, A replaced by G.
Molecular consequence: 3 prime UTR variant.
Genome position (GRCh38, 1-based): chr5:148,983,239, T>C on the plus strand (A>G on the coding strand, the complement: SH3TC2 is on the minus strand). VCF-style: chr5-148983239-T-C. GRCh37 (hg19) VCF-style: chr5-148362802-T-C.
Identifiers: ClinVar variation 351580 (VCV000351580.7), dbSNP rs59731646, ClinGen allele CA10619391.
Genomic context (GRCh38, chr5:148,983,239, plus strand): 5'-GTTAAAAGCATTTTGAGTACAGTATTTTTTGTTACTTTGCTTCATTCGTTTGTTTGTTTT[T>C]CAAATTGCCACTTACCATTTTTAGTACAAATTCCTTTTGAAAAGCTCCCACTCTCTCCAT-3'

ClinVar aggregate classification (germline): Benign/Likely benign. Review status: criteria provided, multiple submitters, no conflicts (2 of 4 stars). 3 submissions from 2 submitters: Benign (1); Likely benign (2). Last evaluated 2021-05-22.

Conditions:
Charcot-Marie-Tooth disease type 4C (CMT4C). Also called: CHARCOT-MARIE-TOOTH DISEASE, DEMYELINATING, AUTOSOMAL RECESSIVE, TYPE 4C; CMT 4C; Charcot-Marie-Tooth Neuropathy Type 4C (CMT4C); CHARCOT-MARIE-TOOTH DISEASE, DEMYELINATING, TYPE 4C; SH3TC2-Related Hereditary Motor and Sensory Neuropathy. Identifiers: Orphanet 99949, MedGen C1866636, MONDO:0011113, OMIM 601596.
Susceptibility to mononeuropathy of the median nerve, mild. Also called: CARPAL TUNNEL SYNDROME, SUSCEPTIBILITY TO. Identifiers: MedGen C3150596, MONDO:0013237, OMIM 613353.

Allele frequency attached by ClinVar (database versions not stated): gnomAD 0.03198 and 0.03434; 1000 Genomes Project 0.03514; TOPMed 0.03583; 1000 Genomes Project 30x 0.03888.
gnomAD v4.1: 4,817 of 152,204 alleles (3.2%); highest among the groups gnomAD compares: African/African-American, 11%; 253 homozygotes.

Submissions (3):

GeneDx
Classification: Benign. Last evaluated: 2021-05-22. Review status: criteria provided, single submitter. Criteria: GeneDx Variant Classification Process June 2021. Collection method: clinical testing. Allele origin: germline. Affected: yes.

Illumina Laboratory Services, Illumina
Classification: Likely benign for Charcot-Marie-Tooth disease type 4C. Last evaluated: 2017-04-27. Review status: criteria provided, single submitter. Criteria: ICSL Variant Classification Criteria 13 December 2019. Collection method: clinical testing. Allele origin: germline.
Comment: This variant was observed as part of a predisposition screen in an ostensibly healthy population. A literature search was performed for the gene, cDNA change, and amino acid change (where applicable). No publications were found based on this search. Allele frequency data from public databases allowed determination this variant is unlikely to cause disease. Therefore, this variant is classified as likely benign.

Illumina Laboratory Services, Illumina
Classification: Likely benign for Susceptibility to mononeuropathy of the median nerve, mild. Last evaluated: 2017-04-27. Review status: criteria provided, single submitter. Criteria: ICSL Variant Classification Criteria 13 December 2019. Collection method: clinical testing. Allele origin: germline.
Comment: the same text as in the submission from Illumina Laboratory Services, Illumina above.